The following is an entry in ClinVar:

NM_144573.4(NEXN):c.1671GGA[2] (p.Glu561_Glu562del)

Gene: NEXN (nexilin F-actin binding protein; plus strand). Cytogenetic location: 1p31.1.
Variant type: Microsatellite.
Coding change: c.1671GGA[2] on transcript NM_144573.4 (MANE Select); two copies in a row of the 3-base unit GGA starting at c.1671; the reference has four copies in a row; two copies, 6 bases deleted.
Protein change: p.Glu561_Glu562del.
Molecular consequence: inframe deletion.
Genome position (GRCh38, 1-based): chr1:77,942,478-77,942,483, GGAGGA deleted; deleting any 6 consecutive bases within chr1:77,942,470-77,942,483 gives the same sequence; the position shown is the placement nearest the transcript's 3' end. VCF-style (leftmost placement, unchanged base first): chr1-77942469-AGAGGAG-A. GRCh37 (hg19) VCF-style: chr1-78408154-AGAGGAG-A.
Other names: c.1677_1682delGGAGGA (NM_144573.3, NM_144573.4); c.1677_1682del6 (NM_144573.3); c.1485_1490delGGAGGA (NM_001172309.1); c.1479GGA[2], p.Glu497_Glu498del (NM_001172309.2).
Identifiers: ClinVar variation 47893 (VCV000047893.41), dbSNP rs397517848, ClinGen allele CA142122.

ClinVar aggregate classification (germline): Conflicting classifications of pathogenicity. Review status: criteria provided, conflicting classifications (1 of 4 stars). 15 submissions from 15 submitters: Uncertain significance (3); Likely benign (8). 4 of the submissions do not count toward it. Last evaluated 2025-12-26.

Conditions:
NEXN-related disorder. Also called: NEXN-related condition; NEXN-related disorders.
Cardiovascular phenotype. Identifiers: MedGen CN230736.
Hypertrophic cardiomyopathy 20. Identifiers: MedGen C3151267, MONDO:0013477, OMIM 613876.
Dilated cardiomyopathy 1CC (CMD1CC). Identifiers: Orphanet 154, MedGen C2751084, MONDO:0013147, OMIM 613122.
Long QT syndrome (LQTS). Identifiers: MedGen C0023976, MeSH D008133, MONDO:0002442. Disease mechanism: loss of function. Inheritance: Various modes of inheritance.
Cardiomyopathy (CMYO). Also called: Cardiomyopathies. Identifiers: Orphanet 167848, MedGen C0878544, MONDO:0004994, HP:0001638. Inheritance: Various modes of inheritance.

Submissions (15):

Labcorp Genetics (formerly Invitae), Labcorp
Classification: Likely benign for Dilated cardiomyopathy 1CC; Hypertrophic cardiomyopathy 20. Last evaluated: 2025-12-26. Review status: criteria provided, single submitter. Criteria: Invitae Variant Classification Sherloc (09022015). Collection method: clinical testing. Allele origin: germline.

Women's Health and Genetics/Laboratory Corporation of America, LabCorp
Classification: Likely benign. Last evaluated: 2025-07-09. Review status: criteria provided, single submitter. Criteria: LabCorp Variant Classification Summary - May 2015. Collection method: clinical testing. Allele origin: germline.

Molecular Diagnostic Laboratory for Inherited Cardiovascular Disease, Montreal Heart Institute
Classification: Likely benign. Last evaluated: 2025-04-08. Review status: criteria provided, single submitter. Criteria: ACMG Guidelines, 2015. Collection method: clinical testing. Allele origin: germline. Affected: no.

Mayo Clinic Laboratories, Mayo Clinic
Classification: Likely benign. Last evaluated: 2025-02-03. Review status: criteria provided, single submitter. Criteria: ACMG Guidelines, 2015. Collection method: clinical testing. Allele origin: germline. Observed: 4 variant alleles.
Comment: BS1, BP3

Blueprint Genetics
Classification: Likely benign. Last evaluated: 2024-11-14. Review status: criteria provided, single submitter. Criteria: ACMG Guidelines, 2015. Collection method: clinical testing. Allele origin: germline.

GeneDx
Classification: Uncertain significance. Last evaluated: 2021-08-06. Review status: criteria provided, single submitter. Criteria: GeneDx Variant Classification Process June 2021. Collection method: clinical testing. Allele origin: germline. Affected: yes.
Comment: Reported in ClinVar (ClinVar Variant ID# 47893; Landrum et al., 2016); In silico analysis supports a deleterious effect on protein structure/function; This variant is associated with the following publications: (PMID: 26582918, 24503780, 27532257)

Ambry Genetics
Classification: Likely benign for Cardiovascular phenotype. Last evaluated: 2019-04-01. Review status: criteria provided, single submitter. Criteria: Ambry Variant Classification Scheme 2023. Collection method: clinical testing. Allele origin: germline.

CHEO Genetics Diagnostic Laboratory, Children's Hospital of Eastern Ontario
Classification: Likely benign for Cardiomyopathy. Last evaluated: 2018-11-02. Review status: criteria provided, single submitter. Criteria: ACMG Guidelines, 2015. Collection method: clinical testing. Allele origin: germline.

Center for Advanced Laboratory Medicine, UC San Diego Health, University of California San Diego
Classification: Likely benign for Long QT Syndrome. Last evaluated: 2018-05-15. Review status: criteria provided, single submitter. Criteria: ACMG Guidelines, 2015. Collection method: clinical testing. Allele origin: germline. Affected: yes. Observed: 1 variant allele.

Stanford Center for Inherited Cardiovascular Disease, Stanford University
Classification: Uncertain significance. Last evaluated: 2017-10-11. Review status: criteria provided, single submitter. Criteria: ACMG Guidelines, 2015. Collection method: provider interpretation. Allele origin: germline.

Laboratory for Molecular Medicine, Mass General Brigham Personalized Medicine
Classification: Uncertain significance. Last evaluated: 2014-08-22. Review status: criteria provided, single submitter. Criteria: LMM Criteria. Collection method: clinical testing. Allele origin: germline. Observed: 3 variant alleles.
Comment: Variant classified as Uncertain Significance - Favor Benign. This variant has also been identified in 0.2% (7/3591) of African American chromosomes by the NHLBI Exome Sequencing Project (dbSNP rs397517848). This variant results in an in-frame deletion of 2 amino acids and is not predicted to alter the protein reading-frame. It is unclear if this deletion will impact the protein because the variant spectrum of this gene has not been well characteriz ed. In summary, while the clinical significance of the Glu561_Glu562del variant is uncertain, its frequency suggests that it is more likely to be benign.

PreventionGenetics, part of Exact Sciences
Classification: Likely benign for NEXN-related condition. Last evaluated: 2023-11-24. Review status: no assertion criteria provided. Collection method: clinical testing. Allele origin: germline. Not counted in ClinVar's aggregate classification.
Comment: This variant is classified as likely benign based on ACMG/AMP sequence variant interpretation guidelines (Richards et al. 2015 PMID: 25741868, with internal and published modifications).

Clinical Genetics, Academic Medical Center
Classification: Likely benign. Review status: no assertion criteria provided. Collection method: clinical testing. Allele origin: germline. Affected: yes. Study: VKGL Data-share Consensus. Not counted in ClinVar's aggregate classification.

Diagnostic Laboratory, Department of Genetics, University Medical Center Groningen
Classification: Likely benign. Review status: no assertion criteria provided. Collection method: clinical testing. Allele origin: germline. Affected: yes. Study: VKGL Data-share Consensus. Not counted in ClinVar's aggregate classification.

Genome Diagnostics Laboratory, University Medical Center Utrecht
Classification: Likely benign. Review status: no assertion criteria provided. Collection method: clinical testing. Allele origin: germline. Affected: yes. Study: VKGL Data-share Consensus. Not counted in ClinVar's aggregate classification.

Literature cited by the submitters: PubMed 24503780 (cited by Mayo Clinic Laboratories, Mayo Clinic and Ambry Genetics); PubMed 27532257 (cited by Mayo Clinic Laboratories, Mayo Clinic and Ambry Genetics); PubMed 32746448 (cited by Mayo Clinic Laboratories, Mayo Clinic).